The following is an entry in ClinVar:

ClinVar aggregate classification (germline): Uncertain significance. Review status: criteria provided, multiple submitters, no conflicts (2 of 4 stars). 2 submissions from 2 submitters: Uncertain significance (2). Last evaluated 2025-05-16.

gnomAD v4.1: 18 of 1,608,686 alleles (0.0011%); highest among the groups gnomAD compares: African/African-American, 0.024%; no homozygotes.

Submissions (2):

Ambry Genetics
Classification: Uncertain significance. Last evaluated: 2025-05-16. Review status: criteria provided, single submitter. Criteria: Ambry Variant Classification Scheme 2023. Collection method: clinical testing. Allele origin: germline.

Labcorp Genetics (formerly Invitae), Labcorp
Classification: Uncertain significance. Last evaluated: 2024-04-09. Review status: criteria provided, single submitter. Criteria: Invitae Variant Classification Sherloc (09022015). Collection method: clinical testing. Allele origin: germline.
Comment: This sequence change replaces glycine, which is neutral and non-polar, with alanine, which is neutral and non-polar, at codon 235 of the CEP97 protein (p.Gly235Ala). This variant is present in population databases (rs148610973, gnomAD 0.02%). This variant has not been reported in the literature in individuals affected with CEP97-related conditions. Advanced modeling of protein sequence and biophysical properties (such as structural, functional, and spatial information, amino acid conservation, physicochemical variation, residue mobility, and thermodynamic stability) performed at Invitae indicates that this missense variant is expected to disrupt CEP97 protein function with a positive predictive value of 80%. In summary, the available evidence is currently insufficient to determine the role of this variant in disease. Therefore, it has been classified as a Variant of Uncertain Significance.

NM_024548.4(CEP97):c.704G>C (p.Gly235Ala)

Gene: CEP97 (centrosomal protein 97; plus strand). Cytogenetic location: 3q12.3.
Variant type: single nucleotide variant.
Coding change: c.704G>C on transcript NM_024548.4 (MANE Select); coding-DNA position 704, G replaced by C.
Protein change: p.Gly235Ala; replaces glycine 235 with alanine.
Molecular consequence: missense variant.
Genome position (GRCh38, 1-based): chr3:101,732,630, G>C. VCF-style: chr3-101732630-G-C. GRCh37 (hg19) VCF-style: chr3-101451474-G-C.
Other names: c.602G>C, p.Gly201Ala (NM_001410785.1, NM_001410784.1); c.704G>C (NM_024548.2); c.704G>C, p.Gly235Ala (NM_001303401.2); short protein forms G201A, G235A.
Identifiers: ClinVar variation 3718356 (VCV003718356.3).